The following is an entry in ClinVar:

ClinVar aggregate classification (germline): Uncertain significance. Review status: criteria provided, multiple submitters, no conflicts (2 of 4 stars). 2 submissions from 2 submitters: Uncertain significance (2). Last evaluated 2024-02-24.

Allele frequency attached by ClinVar (database versions not stated): gnomAD exomes below 0.00001 and 0.00002; ExAC 0.00001; gnomAD 0.00001.
gnomAD v4.1: 5 of 1,613,148 alleles (0.00031%); highest among the groups gnomAD compares: East Asian, 0.0089%; no homozygotes.

Submissions (2):

Labcorp Genetics (formerly Invitae), Labcorp
Classification: Uncertain significance. Last evaluated: 2024-02-24. Review status: criteria provided, single submitter. Criteria: Invitae Variant Classification Sherloc (09022015). Collection method: clinical testing. Allele origin: germline.
Comment: This sequence change replaces histidine, which is basic and polar, with leucine, which is neutral and non-polar, at codon 307 of the RNLS protein (p.His307Leu). This variant is present in population databases (rs745889673, gnomAD 0.03%). This variant has not been reported in the literature in individuals affected with RNLS-related conditions. ClinVar contains an entry for this variant (Variation ID: 1510390). An algorithm developed to predict the effect of missense changes on protein structure and function (PolyPhen-2) suggests that this variant is likely to be tolerated. In summary, the available evidence is currently insufficient to determine the role of this variant in disease. Therefore, it has been classified as a Variant of Uncertain Significance.

Ambry Genetics
Classification: Uncertain significance. Last evaluated: 2024-02-13. Review status: criteria provided, single submitter. Criteria: Ambry Variant Classification Scheme 2023. Collection method: clinical testing. Allele origin: germline.

NM_001031709.3(RNLS):c.920A>T (p.His307Leu)

Gene: RNLS (renalase, FAD dependent amine oxidase; minus strand). Cytogenetic location: 10q23.31.
Variant type: single nucleotide variant.
Coding change: c.920A>T on transcript NM_001031709.3 (MANE Select); coding-DNA position 920, A replaced by T.
Protein change: p.His307Leu; replaces histidine 307 with leucine.
Molecular consequence: missense variant. On other transcripts: intron variant (1).
Genome position (GRCh38, 1-based): chr10:88,285,463, T>A on the plus strand (A>T on the coding strand, the complement: RNLS is on the minus strand). VCF-style: chr10-88285463-T-A. GRCh37 (hg19) VCF-style: chr10-90045220-T-A.
Other names: c.920A>T (NM_001031709.2); c.877-10431A>T (NM_018363.4); short protein forms H307L.
Identifiers: ClinVar variation 1510390 (VCV001510390.7), dbSNP rs745889673, ClinGen allele CA5590328.